The following is an entry in ClinVar:

ClinVar aggregate classification (germline): Uncertain significance (1 of 4 stars; one submission).

Submission:

Labcorp Genetics (formerly Invitae), Labcorp
Classification: Uncertain significance. Last evaluated: 2022-01-17. Review status: criteria provided, single submitter. Criteria: Invitae Variant Classification Sherloc (09022015). Collection method: clinical testing. Allele origin: germline.
Comment: In summary, the available evidence is currently insufficient to determine the role of this variant in disease. Therefore, it has been classified as a Variant of Uncertain Significance. Algorithms developed to predict the effect of missense changes on protein structure and function are either unavailable or do not agree on the potential impact of this missense change (SIFT: "Deleterious"; PolyPhen-2: "Benign"; Align-GVGD: "Class C25"). This variant has not been reported in the literature in individuals affected with MYH3-related conditions. This variant is not present in population databases (gnomAD no frequency). This sequence change replaces valine, which is neutral and non-polar, with isoleucine, which is neutral and non-polar, at codon 1405 of the MYH3 protein (p.Val1405Ile).

NM_002470.4(MYH3):c.4213G>A (p.Val1405Ile)

Gene: MYH3 (myosin heavy chain 3; minus strand). Cytogenetic location: 17p13.1.
Variant type: single nucleotide variant.
Coding change: c.4213G>A on transcript NM_002470.4 (MANE Select); coding-DNA position 4213, G replaced by A.
Protein change: p.Val1405Ile; replaces valine 1405 with isoleucine.
Molecular consequence: missense variant.
Genome position (GRCh38, 1-based): chr17:10,634,983, C>T on the plus strand (G>A on the coding strand, the complement: MYH3 is on the minus strand). VCF-style: chr17-10634983-C-T. GRCh37 (hg19) VCF-style: chr17-10538300-C-T.
Other names: short protein forms V1405I.
Identifiers: ClinVar variation 2087106 (VCV002087106.4), dbSNP rs2508581236, ClinGen allele CA398144321.